The following is an entry in ClinVar:

ClinVar aggregate classification (germline): Benign/Likely benign. Review status: criteria provided, multiple submitters, no conflicts (2 of 4 stars). 6 submissions from 6 submitters: Benign (1); Likely benign (5). Last evaluated 2025-12-20.

Conditions:
Hereditary cancer-predisposing syndrome. Also called: Neoplastic Syndromes, Hereditary; Tumor predisposition; Hereditary neoplastic syndrome; Hereditary Cancer Syndrome. Identifiers: Orphanet 140162, MedGen C0027672, MeSH D009386, MONDO:0015356.
Classic or attenuated familial adenomatous polyposis. Identifiers: MedGen CN372698, MONDO:0021057.
Familial adenomatous polyposis 1 (FAP1). Also called: POLYPOSIS, ADENOMATOUS INTESTINAL; FAMILIAL ADENOMATOUS POLYPOSIS 1, ATTENUATED. Identifiers: MedGen C2713442, MONDO:0021056, OMIM 175100. Disease mechanism: loss of function.

Allele frequency attached by ClinVar (database versions not stated): gnomAD exomes below 0.00001; ExAC 0.00001; gnomAD 0.00001; TOPMed 0.00001.
gnomAD v4.1: 2 of 1,613,372 alleles (0.00012%); highest among the groups gnomAD compares: African/African-American, 0.0027%; no homozygotes.

Submissions (6):

Labcorp Genetics (formerly Invitae), Labcorp
Classification: Likely benign for Familial adenomatous polyposis 1. Last evaluated: 2025-12-20. Review status: criteria provided, single submitter. Criteria: Invitae Variant Classification Sherloc (09022015). Collection method: clinical testing. Allele origin: germline.

All of Us Research Program, National Institutes of Health
Classification: Likely benign for Classic or attenuated familial adenomatous polyposis. Last evaluated: 2024-04-16. Review status: criteria provided, single submitter. Criteria: ACMG Guidelines, 2015. Collection method: clinical testing. Allele origin: germline. Inheritance: Autosomal dominant inheritance. Observed: 2 variant alleles, 2 heterozygotes.
Comment: This study involves interpretation of variants in research participants for the purpose of population health screening. Participant phenotype was not available at the time of variant classification. Additional details can be found in publication PMID: 35346344, PMCID: PMC8962531

Myriad Genetics, Inc.
Classification: Benign for Familial adenomatous polyposis 1. Last evaluated: 2024-03-01. Review status: criteria provided, single submitter. Criteria: Myriad Autosomal Dominant, Autosomal Recessive and X-Linked Classification Criteria (2023). Collection method: clinical testing. Allele origin: unknown.
Comment: This variant is considered benign. This variant is a silent/synonymous amino acid change and it is not expected to impact splicing.

Quest Diagnostics Nichols Institute San Juan Capistrano
Classification: Likely benign. Last evaluated: 2023-03-29. Review status: criteria provided, single submitter. Criteria: Quest Diagnostics criteria. Collection method: clinical testing. Allele origin: unknown.

Ambry Genetics
Classification: Likely benign for Hereditary cancer-predisposing syndrome. Last evaluated: 2022-04-04. Review status: criteria provided, single submitter. Criteria: Ambry Variant Classification Scheme 2023. Collection method: clinical testing. Allele origin: germline.

Color Diagnostics, LLC DBA Color Health
Classification: Likely benign for Hereditary cancer-predisposing syndrome. Last evaluated: 2017-12-04. Review status: criteria provided, single submitter. Criteria: ACMG Guidelines, 2015. Collection method: clinical testing. Allele origin: germline.

NM_000038.6(APC):c.1359A>G (p.Leu453=)

Gene: APC (APC regulator of Wnt signaling pathway; plus strand). Cytogenetic location: 5q22.2.
Variant type: single nucleotide variant.
Coding change: c.1359A>G on transcript NM_000038.6 (MANE Select); coding-DNA position 1359, A replaced by G.
Protein change: p.Leu453=; no amino-acid change (leucine 453 retained).
Molecular consequence: synonymous variant.
Genome position (GRCh38, 1-based): chr5:112,821,942, A>G. VCF-style: chr5-112821942-A-G. GRCh37 (hg19) VCF-style: chr5-112157639-A-G.
Other names: c.1359A>G, p.Leu453= (NM_001127510.3, NM_001354895.2, NM_001354896.2); c.1305A>G, p.Leu435= (NM_001127511.3); c.1389A>G, p.Leu463= (NM_001354897.2); c.1284A>G, p.Leu428= (NM_001354898.2); c.1275A>G, p.Leu425= (NM_001354899.2); c.1182A>G, p.Leu394= (NM_001354900.2, NM_001354901.2); c.1086A>G, p.Leu362= (NM_001354902.2); c.1056A>G, p.Leu352= (NM_001354903.2); and 3 more.
Identifiers: ClinVar variation 630113 (VCV000630113.18), dbSNP rs751945983, ClinGen allele CA027267.